The following is an entry in ClinVar:

NM_000321.3(RB1):c.606del (p.Glu204fs)

Gene: RB1 (RB transcriptional corepressor 1; plus strand). Cytogenetic location: 13q14.2.
Variant type: Deletion.
Coding change: c.606del on transcript NM_000321.3 (MANE Select); coding-DNA position 606, one base deleted (A; older notation c.606delA).
Protein change: p.Glu204fs; shifts the reading frame from glutamic acid 204.
Molecular consequence: frameshift variant.
Genome position (GRCh38, 1-based): chr13:48,349,022, A deleted; the last of 3 consecutive A bases (chr13:48,349,020-48,349,022); deleting any one gives the same sequence. VCF-style (leftmost placement, unchanged base first): chr13-48349019-TA-T. GRCh37 (hg19) VCF-style: chr13-48923155-TA-T.
Other names: short protein forms E204fs.
Identifiers: ClinVar variation 802965 (VCV000802965.8), dbSNP rs1593438023, ClinGen allele CA915948642.

ClinVar aggregate classification (germline): Pathogenic. Review status: criteria provided, multiple submitters, no conflicts (2 of 4 stars). 5 submissions from 5 submitters: Pathogenic (5). Last evaluated 2025-09-15.

Conditions:
Retinoblastoma (RB1). Also called: RETINOBLASTOMA, SOMATIC. Identifiers: Orphanet 790, MedGen C0035335, MeSH D012175, MONDO:0008380, OMIM 180200, HP:0009919. Disease mechanism: loss of function. Inheritance: Both sporadic and heritable forms are tested..
Hereditary cancer-predisposing syndrome. Also called: Neoplastic Syndromes, Hereditary; Hereditary Cancer Syndrome; Tumor predisposition; Hereditary neoplastic syndrome. Identifiers: Orphanet 140162, MedGen C0027672, MeSH D009386, MONDO:0015356.

Submissions (5):

Ambry Genetics
Classification: Pathogenic for Hereditary cancer-predisposing syndrome. Last evaluated: 2025-09-15. Review status: criteria provided, single submitter. Criteria: Ambry Variant Classification Scheme 2023. Collection method: clinical testing. Allele origin: germline.
Comment: The c.606delA pathogenic mutation, located in coding exon 6 of the RB1 gene, results from a deletion of one nucleotide at nucleotide position 606, causing a translational frameshift with a predicted alternate stop codon (p.E204Kfs*10). This variant was reported in individuals with features consistent with RB1-related hereditary retinoblastoma (Rodr&iacute;guez-Mart&iacute;n C et al. J Hum Genet, 2020 Jan;65:165-174; Ambry internal data). This variant is considered to be rare based on population cohorts in the Genome Aggregation Database (gnomAD). This alteration is expected to result in loss of function by premature protein truncation or nonsense-mediated mRNA decay. As such, this alteration is interpreted as a disease-causing mutation.

Genetic Diagnostic Laboratory, University of Pennsylvania School of Medicine
Classification: Pathogenic for Retinoblastoma. Last evaluated: 2024-05-20. Review status: criteria provided, single submitter. Criteria: ACMG Guidelines, 2015. Collection method: clinical testing. Allele origin: germline. Affected: yes. Observed: 2 variant alleles.
Comment: Case and Pedigree Information: BILATERAL CASES:2, UNILATERAL CASES:0, TOTAL CASES:2, PEDIGREES:2. ACMG Codes Applied:PVS1, PM2

Labcorp Genetics (formerly Invitae), Labcorp
Classification: Pathogenic for Retinoblastoma. Last evaluated: 2022-09-06. Review status: criteria provided, single submitter. Criteria: Invitae Variant Classification Sherloc (09022015). Collection method: clinical testing. Allele origin: germline.
Comment: This sequence change creates a premature translational stop signal (p.Glu204Lysfs*10) in the RB1 gene. It is expected to result in an absent or disrupted protein product. Loss-of-function variants in RB1 are known to be pathogenic (PMID: 17096365). This variant is not present in population databases (gnomAD no frequency). This premature translational stop signal has been observed in individual(s) with bilateral retinoblastoma (PMID: 11317357). This variant is also known as g.45865delA (A201fsX213). ClinVar contains an entry for this variant (Variation ID: 802965). For these reasons, this variant has been classified as Pathogenic.

Victorian Clinical Genetics Services, Murdoch Childrens Research Institute
Classification: Pathogenic for Retinoblastoma. Last evaluated: 2022-02-02. Review status: criteria provided, single submitter. Criteria: ACMG Guidelines, 2015. Collection method: clinical testing. Allele origin: germline. Inheritance: Autosomal dominant inheritance.
Comment: Based on the classification scheme VCGS_Germline_v1.3.4, this variant is classified as pathogenic. Following criteria are met: 0102 - Loss of function is a known mechanism of disease in this gene and is associated with retinoblastoma (MIM#180200). (I) 0107 - This gene is associated with autosomal dominant disease. (I) 0112 - The condition associated with this gene has incomplete penetrance. A small percentage of families have a ‘low penetrance’ phenotype, although null alleles are almost always completely penetrant (GeneReviews). (I) 0115 - Variants in this gene are known to have variable expressivity. Even though usually bilateral, retinoblastoma has also been found to be unilateral in some families (GeneReviews). (I) 0201 - Variant is predicted to cause nonsense-mediated decay (NMD) and loss of protein (premature termination codon is located at least 54 nucleotides upstream of the final exon-exon junction). (SP) 0251 - This variant is heterozygous. (I) 0301 - Variant is absent from gnomAD (both v2 and v3). (SP) 0701 - Other NMD-predicted variants comparable to the one identified in this case have very strong previous evidence for pathogenicity. NMD-predicted variants are well-established as disease-causing in the RB1 gene (ClinVar, PMID: 31772335). (SP) 0802 - This variant has moderate previous evidence of pathogenicity in unrelated individuals. This variant has been reported in the ClinVar and LOVD databases as pathogenic, and was identified in a blood sample of an individual with sporadic bilateral retinoblastoma (PMID: 31772335). (SP) 0905 - No published segregation evidence has been identified for this variant. (I) 1007 - No published functional evidence has been identified for this variant. (SP) Legend: (SP) - Supporting pathogenic, (I) - Information, (SB) - Supporting benign

Mendelics
Classification: Pathogenic for Retinoblastoma. Last evaluated: 2019-05-28. Review status: criteria provided, single submitter. Criteria: Mendelics Assertion Criteria 2017. Collection method: clinical testing. Allele origin: unknown.

Literature cited by the submitters: PubMed 31772335 (cited by Ambry Genetics and Victorian Clinical Genetics Services, Murdoch Childrens Research Institute); PubMed 17096365 (cited by Labcorp Genetics (formerly Invitae), Labcorp); PubMed 11317357 (cited by Labcorp Genetics (formerly Invitae), Labcorp).